The following is an entry in ClinVar:

NM_013254.4(TBK1):c.871A>G (p.Lys291Glu)

Gene: TBK1 (TANK binding kinase 1; plus strand). Cytogenetic location: 12q14.2.
Variant type: single nucleotide variant.
Coding change: c.871A>G on transcript NM_013254.4 (MANE Select); coding-DNA position 871, A replaced by G.
Protein change: p.Lys291Glu; replaces lysine 291 with glutamic acid.
Molecular consequence: missense variant.
Genome position (GRCh38, 1-based): chr12:64,481,900, A>G. VCF-style: chr12-64481900-A-G. GRCh37 (hg19) VCF-style: chr12-64875680-A-G.
Other names: c.871A>G, p.Lys291Glu (LRG_1306t1); short protein forms K291E.
Identifiers: ClinVar variation 425012 (VCV000425012.55), dbSNP rs34774243, ClinGen allele CA6668918.

ClinVar aggregate classification (germline): Uncertain significance. Review status: criteria provided, multiple submitters, no conflicts (2 of 4 stars). 7 submissions from 7 submitters: Uncertain significance (4). 3 of the submissions do not count toward it. Last evaluated 2025-12-13.

Conditions:
Progressive spasticity. Identifiers: MedGen C1859520, HP:0002191.
Spastic hemiparesis. Also called: Spastic hemiplegia. Identifiers: MedGen C0154694, MONDO:0001168, HP:0011099.
TBK1-related disorder. Also called: TBK1-related condition.
Frontotemporal dementia and/or amyotrophic lateral sclerosis 4. Also called: FTDALS4. Identifiers: Orphanet 275872, MedGen C4225325, MONDO:0014641, OMIM 616439.

Allele frequency attached by ClinVar (database versions not stated): ExAC 0.00017; ESP Exome Variant Server 0.00023; gnomAD 0.00011; TOPMed 0.00012; gnomAD exomes 0.00013 and 0.00014.
gnomAD v4.1: 214 of 1,610,476 alleles (0.013%); highest among the groups gnomAD compares: Non-Finnish European, 0.017%; no homozygotes.

Submissions (7):

Labcorp Genetics (formerly Invitae), Labcorp
Classification: Uncertain significance for Frontotemporal dementia and/or amyotrophic lateral sclerosis 4. Last evaluated: 2025-12-13. Review status: criteria provided, single submitter. Criteria: Invitae Variant Classification Sherloc (09022015). Collection method: clinical testing. Allele origin: germline.
Comment: This sequence change replaces lysine, which is basic and polar, with glutamic acid, which is acidic and polar, at codon 291 of the TBK1 protein (p.Lys291Glu). This variant is present in population databases (rs34774243, gnomAD 0.03%). This missense change has been observed in individual(s) with TBK1-related conditions (PMID: 26581300, 28008748, 28822984, 32409511). ClinVar contains an entry for this variant (Variation ID: 425012). Invitae Evidence Modeling of protein sequence and biophysical properties (such as structural, functional, and spatial information, amino acid conservation, physicochemical variation, residue mobility, and thermodynamic stability) indicates that this missense variant is not expected to disrupt TBK1 protein function with a negative predictive value of 95%. Experimental studies have shown that this missense change affects TBK1 function (PMID: 28008748). In summary, the available evidence is currently insufficient to determine the role of this variant in disease. Therefore, it has been classified as a Variant of Uncertain Significance.

Clinical Genetics Laboratory, Skane University Hospital Lund
Classification: Uncertain significance for Spastic hemiparesis; Progressive spasticity. Last evaluated: 2025-06-27. Review status: criteria provided, single submitter. Criteria: ACMG Guidelines, 2015. Collection method: clinical testing. Allele origin: germline. Affected: yes.
Comment: ACMG criteria used: PS3

MGZ Medical Genetics Center
Classification: Uncertain significance for Frontotemporal dementia and/or amyotrophic lateral sclerosis 4. Last evaluated: 2022-01-04. Review status: criteria provided, single submitter. Criteria: ACMG Guidelines, 2015. Collection method: clinical testing. Allele origin: germline. Affected: yes. Observed: 1 variant allele.
Comment: ACMG criteria applied: PP2, BS2

CeGaT Center for Human Genetics Tuebingen
Classification: Uncertain significance. Last evaluated: 2016-09-01. Review status: criteria provided, single submitter. Criteria: CeGaT Center For Human Genetics Tuebingen Variant Classification Criteria Version 2. Collection method: clinical testing. Allele origin: germline. Affected: yes. Observed: 1 variant allele.

PreventionGenetics, part of Exact Sciences
Classification: Uncertain significance for TBK1-related condition. Last evaluated: 2024-06-27. Review status: no assertion criteria provided. Collection method: clinical testing. Allele origin: germline. Not counted in ClinVar's aggregate classification.
Comment: The TBK1 c.871A>G variant is predicted to result in the amino acid substitution p.Lys291Glu. This variant has been reported in individuals with frontotemporal dementia or amyotrophic lateral sclerosis (van der Zee et al. 2017. PubMed ID: 28008748; Pozzi et al. 2017. PubMed ID: 28822984; Gijselinck et al. 2015. PubMed ID: 26581300). However, this variant was also reported in unaffected controls (van der Zee et al. 2017. PubMed ID: 28008748; Verheijen et al. 2018. PubMed ID: 29146049). In vitro functional studies showed this variant reduced NFĸβ activation (Verheijen et al 2018. PubMed ID: 29146049). This variant is reported in 0.027% of alleles in individuals of European (Non-Finnish) descent in gnomAD, and is interpreted as uncertain in the ClinVar database. At this time, the clinical significance of this variant is uncertain due to the absence of conclusive functional and genetic evidence.

Clinical Genetics, Academic Medical Center
Classification: Uncertain significance. Review status: no assertion criteria provided. Collection method: clinical testing. Allele origin: germline. Affected: yes. Study: VKGL Data-share Consensus. Not counted in ClinVar's aggregate classification.

Genome Diagnostics Laboratory, Amsterdam University Medical Center
Classification: Uncertain significance. Review status: no assertion criteria provided. Collection method: clinical testing. Allele origin: germline. Affected: yes. Study: VKGL Data-share Consensus. Not counted in ClinVar's aggregate classification.

Literature cited by the submitters: PubMed 26581300 (cited by Labcorp Genetics (formerly Invitae), Labcorp); PubMed 28008748 (cited by Labcorp Genetics (formerly Invitae), Labcorp); PubMed 28822984 (cited by Labcorp Genetics (formerly Invitae), Labcorp); PubMed 32409511 (cited by Labcorp Genetics (formerly Invitae), Labcorp).